The following is an entry in ClinVar:

NM_004360.5(CDH1):c.261G>C (p.Arg87Ser)

Gene: CDH1 (cadherin 1; plus strand). Cytogenetic location: 16q22.1.
Variant type: single nucleotide variant.
Coding change: c.261G>C on transcript NM_004360.5 (MANE Select); coding-DNA position 261, G replaced by C.
Protein change: p.Arg87Ser; replaces arginine 87 with serine.
Molecular consequence: missense variant. On other transcripts: 5 prime UTR variant (2).
Genome position (GRCh38, 1-based): chr16:68,801,767, G>C. VCF-style: chr16-68801767-G-C. GRCh37 (hg19) VCF-style: chr16-68835670-G-C.
Other names: c.261G>C (LRG_301t1); c.261G>C, p.Arg87Ser (NM_001317184.2); c.-1355G>C (NM_001317185.2); c.-1559G>C (NM_001317186.2); short protein forms R87S.
Identifiers: ClinVar variation 239902 (VCV000239902.23), dbSNP rs878854689, ClinGen allele CA10583407.

ClinVar aggregate classification (germline): Uncertain significance. Review status: criteria provided, multiple submitters, no conflicts (2 of 4 stars). 5 submissions from 5 submitters: Uncertain significance (5). Last evaluated 2026-01-13.

Conditions:
Hereditary cancer-predisposing syndrome. Also called: Neoplastic Syndromes, Hereditary; Tumor predisposition; Hereditary neoplastic syndrome; Hereditary Cancer Syndrome. Identifiers: Orphanet 140162, MedGen C0027672, MeSH D009386, MONDO:0015356.
Hereditary diffuse gastric adenocarcinoma (HDGC). Also called: DIFFUSE GASTRIC AND LOBULAR BREAST CANCER SYNDROME. Identifiers: Orphanet 26106, MedGen C1708349, MONDO:0007648, OMIM 137215.
Familial cancer of breast. Also called: BREAST CANCER, FAMILIAL; Hereditary breast cancer; hereditary breast carcinoma. Identifiers: Orphanet 227535, MedGen C0346153, MONDO:0016419, OMIM 114480. Disease mechanism: loss of function.

Allele frequency attached by ClinVar (database versions not stated): gnomAD exomes below 0.00001; TOPMed below 0.00001; gnomAD 0.00001.
gnomAD v4.1: 4 of 1,613,970 alleles (0.00025%); highest among the groups gnomAD compares: African/African-American, 0.0027%; no homozygotes.

Submissions (5):

Labcorp Genetics (formerly Invitae), Labcorp
Classification: Uncertain significance for Hereditary diffuse gastric adenocarcinoma. Last evaluated: 2026-01-13. Review status: criteria provided, single submitter. Criteria: Invitae Variant Classification Sherloc (09022015). Collection method: clinical testing. Allele origin: germline.
Comment: This sequence change replaces arginine, which is basic and polar, with serine, which is neutral and polar, at codon 87 of the CDH1 protein (p.Arg87Ser). This variant is not present in population databases (gnomAD no frequency). This variant has not been reported in the literature in individuals affected with CDH1-related conditions. ClinVar contains an entry for this variant (Variation ID: 239902). An algorithm developed to predict the effect of missense changes on protein structure and function (PolyPhen-2) suggests that this variant is likely to be tolerated. In summary, the available evidence is currently insufficient to determine the role of this variant in disease. Therefore, it has been classified as a Variant of Uncertain Significance.

Baylor Genetics
Classification: Uncertain significance for Familial cancer of breast. Last evaluated: 2023-07-11. Review status: criteria provided, single submitter. Criteria: ACMG Guidelines, 2015. Collection method: clinical testing. Allele origin: unknown.

GeneDx
Classification: Uncertain significance. Last evaluated: 2022-02-01. Review status: criteria provided, single submitter. Criteria: GeneDx Variant Classification Process June 2021. Collection method: clinical testing. Allele origin: germline. Affected: yes.
Comment: Not observed in large population cohorts (gnomAD); In silico analysis supports that this missense variant has a deleterious effect on protein structure/function; Has not been previously published as pathogenic or benign to our knowledge

Ambry Genetics
Classification: Uncertain significance for Hereditary cancer-predisposing syndrome. Last evaluated: 2021-04-02. Review status: criteria provided, single submitter. Criteria: Ambry Variant Classification Scheme 2023. Collection method: clinical testing. Allele origin: germline.
Comment: The p.R87S variant (also known as c.261G>C), located in coding exon 3 of the CDH1 gene, results from a G to C substitution at nucleotide position 261. The arginine at codon 87 is replaced by serine, an amino acid with dissimilar properties. This alteration was detected in 1/5589 German BRCA1/2-negative probands with breast cancer (Hauke J et al. Cancer Med, 2018 04;7:1349-1358). This amino acid position is well conserved in available vertebrate species. In addition, this alteration is predicted to be tolerated by in silico analysis. Since supporting evidence is limited at this time, the clinical significance of this alteration remains unclear.

Color Diagnostics, LLC DBA Color Health
Classification: Uncertain significance for Hereditary cancer-predisposing syndrome. Last evaluated: 2019-11-07. Review status: criteria provided, single submitter. Criteria: ACMG Guidelines, 2015. Collection method: clinical testing. Allele origin: germline.
Comment: This missense variant replaces arginine with serine at codon 87 of the CDH1 protein. Computational prediction tool suggests that this variant may not impact protein structure and function (internally defined REVEL score threshold ≤0.5, PMID: 27666373). Splice site prediction tools suggest that this variant may not impact RNA splicing. To our knowledge, functional studies have not been performed for this variant. This variant has not been reported in individuals affected with hereditary cancer in the literature. This variant has not been identified in the general population by the Genome Aggregation Database (gnomAD). The available evidence is insufficient to determine the role of this variant in disease conclusively. Therefore, this variant is classified as a Variant of Uncertain Significance.

Literature cited by the submitters: PubMed 29522266 (cited by Ambry Genetics).